The following is an entry in ClinVar:

ClinVar aggregate classification (germline): Pathogenic (1 of 4 stars; one submission).

Conditions:
Spastic paraplegia. Identifiers: MedGen C0037772, HP:0001258.

Submission:

Labcorp Genetics (formerly Invitae), Labcorp
Classification: Pathogenic for Spastic paraplegia. Last evaluated: 2019-08-07. Review status: criteria provided, single submitter. Criteria: Invitae Variant Classification Sherloc (09022015). Collection method: clinical testing. Allele origin: germline.
Comment: For these reasons, this variant has been classified as Pathogenic. Loss-of-function variants in ZFYVE26 are known to be pathogenic (PMID: 18394578, 19805727). This variant has not been reported in the literature in individuals with ZFYVE26-related conditions. This variant is not present in population databases (ExAC no frequency). This sequence change creates a premature translational stop signal (p.Leu1199Ilefs*24) in the ZFYVE26 gene. It is expected to result in an absent or disrupted protein product.

Literature cited by the submitters: PubMed 18394578; PubMed 19805727.

NM_015346.4(ZFYVE26):c.3593_3594dup (p.Leu1199fs)

Gene: ZFYVE26 (zinc finger FYVE-type containing 26; minus strand). Cytogenetic location: 14q24.1.
Variant type: Duplication.
Coding change: c.3593_3594dup on transcript NM_015346.4 (MANE Select); coding-DNA positions 3593 to 3594, 2 bases duplicated (AT; older notation c.3593_3594dupAT).
Protein change: p.Leu1199fs; shifts the reading frame from leucine 1199.
Molecular consequence: frameshift variant.
Genome position (GRCh38, 1-based): chr14:67,784,366-67,784,367, AT duplicated on the plus strand (AT on the coding strand, the reverse complement: ZFYVE26 is on the minus strand). VCF-style (leftmost placement, unchanged base first): chr14-67784365-G-GAT. GRCh37 (hg19) VCF-style: chr14-68251082-G-GAT.
Other names: short protein forms L1199fs.
Identifiers: ClinVar variation 939407 (VCV000939407.7), dbSNP rs2039593666, ClinGen allele CA1139663520.